The following is an entry in ClinVar:

ClinVar aggregate classification (germline): Likely pathogenic. Review status: criteria provided, multiple submitters, no conflicts (2 of 4 stars). 2 submissions from 2 submitters: Likely pathogenic (2). Last evaluated 2018-07-01.

Conditions:
Tubulinopathy. Also called: Tubulinopathies. Identifiers: MedGen CN850169, MONDO:0100153.
Inborn genetic diseases. Identifiers: MedGen C0950123, MeSH D030342.

Submissions (2):

Institute of Human Genetics, FAU Erlangen, Friedrich-Alexander-Universität Erlangen-Nürnberg
Classification: Likely pathogenic for Tubulinopathies. Last evaluated: 2018-07-01. Review status: criteria provided, single submitter. Criteria: ACMG Guidelines, 2015. Collection method: literature only. Allele origin: germline. Affected: yes. Observed: 1 variant allele.
Comment: The c.1055A>T, (p.Lys352Met) variant has been reported as a variant of germline/unknown origin.

Ambry Genetics
Classification: Likely pathogenic for Inborn genetic diseases. Last evaluated: 2017-03-17. Review status: criteria provided, single submitter. Criteria: Ambry exome assertion method (8-5-2015). Collection method: clinical testing. Allele origin: germline. Affected: yes. Observed: 1 variant allele.

Literature cited by the submitters: PubMed 30744660 (cited by Institute of Human Genetics, FAU Erlangen, Friedrich-Alexander-Universität Erlangen-Nürnberg); DOI 10.1101/427948 (cited by Institute of Human Genetics, FAU Erlangen, Friedrich-Alexander-Universität Erlangen-Nürnberg).

NM_006009.4(TUBA1A):c.1055A>T (p.Lys352Met)

Gene: TUBA1A (tubulin alpha 1a; minus strand). Cytogenetic location: 12q13.12.
Variant type: single nucleotide variant.
Coding change: c.1055A>T on transcript NM_006009.4 (MANE Select); coding-DNA position 1055, A replaced by T.
Protein change: p.Lys352Met; replaces lysine 352 with methionine.
Molecular consequence: missense variant.
Genome position (GRCh38, 1-based): chr12:49,185,311, T>A on the plus strand (A>T on the coding strand, the complement: TUBA1A is on the minus strand). VCF-style: chr12-49185311-T-A. GRCh37 (hg19) VCF-style: chr12-49579094-T-A.
Other names: c.1055A>T, p.Lys352Met (NM_001270399.2); c.950A>T, p.Lys317Met (NM_001270400.2); short protein forms K352M, K317M.
Identifiers: ClinVar variation 521592 (VCV000521592.5), dbSNP rs1555162303, ClinGen allele CA384636549.